The following is an entry in ClinVar:

ClinVar aggregate classification (germline): Conflicting classifications of pathogenicity. Review status: criteria provided, conflicting classifications (1 of 4 stars). 7 submissions from 7 submitters: Uncertain significance (5); Likely benign (1). 1 of the submissions does not count toward it. Last evaluated 2025-02-20.

Conditions:
LHFPL5-related disorder. Also called: LHFPL5-related condition.
Inborn genetic diseases. Identifiers: MedGen C0950123, MeSH D030342.

Allele frequency attached by ClinVar (database versions not stated): ExAC 0.00023; gnomAD exomes 0.00025; 1000 Genomes Project 30x 0.00031; 1000 Genomes Project 0.00040; gnomAD 0.00057; TOPMed 0.00071; ESP Exome Variant Server 0.00085.

Submissions (7):

Ambry Genetics
Classification: Uncertain significance for Inborn genetic diseases. Last evaluated: 2025-02-20. Review status: criteria provided, single submitter. Criteria: Ambry Variant Classification Scheme 2023. Collection method: clinical testing. Allele origin: germline.

Blueprint Genetics
Classification: Uncertain significance. Last evaluated: 2024-09-23. Review status: criteria provided, single submitter. Criteria: ACMG Guidelines, 2015. Collection method: clinical testing. Allele origin: germline.

CeGaT Center for Human Genetics Tuebingen
Classification: Uncertain significance. Last evaluated: 2022-12-01. Review status: criteria provided, single submitter. Criteria: CeGaT Center For Human Genetics Tuebingen Variant Classification Criteria Version 2. Collection method: clinical testing. Allele origin: germline. Affected: yes. Observed: 1 variant allele.
Comment: LHFPL5: PP3

Labcorp Genetics (formerly Invitae), Labcorp
Classification: Uncertain significance. Last evaluated: 2022-01-15. Review status: criteria provided, single submitter. Criteria: Invitae Variant Classification Sherloc (09022015). Collection method: clinical testing. Allele origin: germline.
Comment: This sequence change replaces arginine, which is basic and polar, with histidine, which is basic and polar, at codon 159 of the LHFPL5 protein (p.Arg159His). This variant is present in population databases (rs139179263, gnomAD 0.2%). This variant has not been reported in the literature in individuals affected with LHFPL5-related conditions. ClinVar contains an entry for this variant (Variation ID: 163857). Algorithms developed to predict the effect of missense changes on protein structure and function are either unavailable or do not agree on the potential impact of this missense change (SIFT: "Deleterious"; PolyPhen-2: "Probably Damaging"; Align-GVGD: "Class C0"). In summary, the available evidence is currently insufficient to determine the role of this variant in disease. Therefore, it has been classified as a Variant of Uncertain Significance.

GeneDx
Classification: Likely benign. Last evaluated: 2020-03-12. Review status: criteria provided, single submitter. Criteria: GeneDx Variant Classification Process June 2021. Collection method: clinical testing. Allele origin: germline. Affected: yes.

Laboratory for Molecular Medicine, Mass General Brigham Personalized Medicine
Classification: Uncertain significance. Last evaluated: 2017-04-19. Review status: criteria provided, single submitter. Criteria: LMM Criteria. Collection method: clinical testing. Allele origin: germline. Observed: 1 variant allele.
Comment: Variant classified as Uncertain Significance - Favor Benign. This variant has also been reported in ClinVar (Variation ID 163857). Computational prediction tools and conservation analyses suggest th at this variant may impact the protein, though this information is not predictiv e enough to determine pathogenicity. In summary, while the clinical significance of the p.Arg159His variant is uncertain, population data suggest that it is mor e likely to be benign.

PreventionGenetics, part of Exact Sciences
Classification: Likely benign for LHFPL5-related condition. Last evaluated: 2024-01-31. Review status: no assertion criteria provided. Collection method: clinical testing. Allele origin: germline. Not counted in ClinVar's aggregate classification.
Comment: This variant is classified as likely benign based on ACMG/AMP sequence variant interpretation guidelines (Richards et al. 2015 PMID: 25741868, with internal and published modifications).

NM_182548.4(LHFPL5):c.476G>A (p.Arg159His)

Gene: LHFPL5 (LHFPL tetraspan subfamily member 5; plus strand). Cytogenetic location: 6p21.31.
Variant type: single nucleotide variant.
Coding change: c.476G>A on transcript NM_182548.4 (MANE Select); coding-DNA position 476, G replaced by A.
Protein change: p.Arg159His; replaces arginine 159 with histidine.
Molecular consequence: missense variant.
Genome position (GRCh38, 1-based): chr6:35,814,609, G>A. VCF-style: chr6-35814609-G-A. GRCh37 (hg19) VCF-style: chr6-35782386-G-A.
Other names: short protein forms R159H.
Identifiers: ClinVar variation 163857 (VCV000163857.41), dbSNP rs139179263, ClinGen allele CA176572.